The following is an entry in ClinVar:

ClinVar aggregate classification (germline): Pathogenic (1 of 4 stars; one submission).

Conditions:
Ehlers-Danlos syndrome, dermatosparaxis type. Also called: EDS VIIC; Dermatosparaxis; Ehlers-Danlos syndrome, type VII, autosomal recessive. Identifiers: Orphanet 1901, MedGen C2700425, MONDO:0009161, OMIM 225410.

Submission:

Myriad Genetics, Inc.
Classification: Pathogenic for Ehlers-Danlos syndrome, dermatosparaxis type. Last evaluated: 2024-05-14. Review status: criteria provided, single submitter. Criteria: Myriad Autosomal Dominant, Autosomal Recessive and X-Linked Classification Criteria (2023). Collection method: clinical testing. Allele origin: unknown.
Comment: NM_014244.4(ADAMTS2):c.42_45del4ins8(L16Afs*51) is expected to be pathogenic in the context of Ehlers-Danlos syndrome, ADAMTS2-related. This variant is predicted to lead to an abnormal or absent protein product due to the creation of a premature termination codon in ADAMTS2, a gene where loss-of-function variants are known to be pathogenic. Please note: this variant was assessed in the context of healthy population screening.

NM_014244.5(ADAMTS2):c.42_45delinsAGCAGCAC (p.Leu16fs)

Gene: ADAMTS2 (ADAM metallopeptidase with thrombospondin type 1 motif 2; minus strand). Cytogenetic location: 5q35.3.
Variant type: Indel.
Coding change: c.42_45delinsAGCAGCAC on transcript NM_014244.5 (MANE Select); coding-DNA positions 42 to 45, CGCG replaced by AGCAGCAC.
Protein change: p.Leu16fs; shifts the reading frame from leucine 16.
Molecular consequence: frameshift variant.
Genome position (GRCh38, 1-based): chr5:179,345,284-179,345,287, CGCG replaced by GTGCTGCT on the plus strand (CGCG replaced by AGCAGCAC on the coding strand, the reverse complement: ADAMTS2 is on the minus strand). VCF-style: chr5-179345284-CGCG-GTGCTGCT. GRCh37 (hg19) VCF-style: chr5-178772285-CGCG-GTGCTGCT.
Other names: c.42_45delinsAGCAGCAC, p.Leu16fs (NM_021599.4); short protein forms L16fs.
Identifiers: ClinVar variation 5011056 (VCV005011056.1).